The following is an entry in ClinVar:

ClinVar aggregate classification (germline): Uncertain significance (1 of 4 stars; one submission).

Conditions:
Cardiovascular phenotype. Identifiers: MedGen CN230736.

Submission:

Ambry Genetics
Classification: Uncertain significance for Cardiovascular phenotype. Last evaluated: 2020-10-08. Review status: criteria provided, single submitter. Criteria: Ambry Variant Classification Scheme 2023. Collection method: clinical testing. Allele origin: germline.
Comment: The p.V162A variant (also known as c.485T>C), located in coding exon 4 of the SCN10A gene, results from a T to C substitution at nucleotide position 485. The valine at codon 162 is replaced by alanine, an amino acid with similar properties. This amino acid position is not well conserved in available vertebrate species. In addition, this alteration is predicted to be tolerated by in silico analysis. Since supporting evidence is limited at this time, the clinical significance of this alteration remains unclear.

NM_006514.4(SCN10A):c.485T>C (p.Val162Ala)

Gene: SCN10A (sodium voltage-gated channel alpha subunit 10; minus strand). Cytogenetic location: 3p22.2.
Variant type: single nucleotide variant.
Coding change: c.485T>C on transcript NM_006514.4 (MANE Select); coding-DNA position 485, T replaced by C.
Protein change: p.Val162Ala; replaces valine 162 with alanine.
Molecular consequence: missense variant.
Genome position (GRCh38, 1-based): chr3:38,771,393, A>G on the plus strand (T>C on the coding strand, the complement: SCN10A is on the minus strand). VCF-style: chr3-38771393-A-G. GRCh37 (hg19) VCF-style: chr3-38812884-A-G.
Other names: c.485T>C, p.Val162Ala (NM_001293306.2, NM_001293307.2); short protein forms V162A.
Identifiers: ClinVar variation 1743634 (VCV001743634.2), dbSNP rs2126041064, ClinGen allele CA352156515.